The following is an entry in ClinVar:

NM_000093.5(COL5A1):c.1264G>C (p.Asp422His)

Gene: COL5A1 (collagen type V alpha 1 chain; plus strand). Cytogenetic location: 9q34.3.
Variant type: single nucleotide variant.
Coding change: c.1264G>C on transcript NM_000093.5 (MANE Select); coding-DNA position 1264, G replaced by C.
Protein change: p.Asp422His; replaces aspartic acid 422 with histidine.
Molecular consequence: missense variant.
Genome position (GRCh38, 1-based): chr9:134,731,595, G>C. VCF-style: chr9-134731595-G-C. GRCh37 (hg19) VCF-style: chr9-137623441-G-C.
Other names: p.Asp422His; c.1264G>C, p.Asp422His (NM_001278074.1); c.1264G>C (NM_000093.3); short protein forms D422H.
Identifiers: ClinVar variation 529251 (VCV000529251.16), dbSNP rs760798318, ClinGen allele CA201108841.

ClinVar aggregate classification (germline): Conflicting classifications of pathogenicity. Review status: criteria provided, conflicting classifications (1 of 4 stars). 3 submissions from 3 submitters: Uncertain significance (2); Benign (1). Last evaluated 2026-09-25.

Conditions:
Ehlers-Danlos syndrome, classic type, 1 (EDSCL1). Also called: Ehlers-Danlos syndrome, type 1; Ehlers-Danlos Syndrome, Classic Type, COL5A1-Related; EDS I; EHLERS-DANLOS SYNDROME, GRAVIS TYPE; EHLERS-DANLOS SYNDROME, SEVERE CLASSIC TYPE. Identifiers: MedGen C0268335, MONDO:0019567, OMIM 130000.

Allele frequency attached by ClinVar (database versions not stated): TOPMed 0.00006; gnomAD 0.00001.
gnomAD v4.1: 6 of 1,614,066 alleles (0.00037%); highest among the groups gnomAD compares: Admixed American, 0.005%; no homozygotes.

Submissions (3):

GeneDx
Classification: Uncertain significance. Last evaluated: 2026-09-25. Review status: criteria provided, single submitter. Criteria: GeneDx Variant Classification Process June 2021. Collection method: clinical testing. Allele origin: germline.
Comment: Not observed at significant frequency in large population cohorts (gnomAD); In silico analysis suggests that this missense variant does not alter protein structure/function; Not located in the triple helical region, where the majority of pathogenic missense variants occur (PMID: 22696272; HGMD); Has not been previously published as pathogenic or benign to our knowledge; This variant is associated with the following publications: (PMID: 22696272)

Labcorp Genetics (formerly Invitae), Labcorp
Classification: Benign for Ehlers-Danlos syndrome, classic type, 1. Last evaluated: 2025-11-16. Review status: criteria provided, single submitter. Criteria: Invitae Variant Classification Sherloc (09022015). Collection method: clinical testing. Allele origin: germline.

Mayo Clinic Laboratories, Mayo Clinic
Classification: Uncertain significance. Last evaluated: 2025-03-10. Review status: criteria provided, single submitter. Criteria: ACMG Guidelines, 2015. Collection method: clinical testing. Allele origin: germline. Observed: 1 variant allele.
Comment: PM2_supporting